The following is an entry in ClinVar:

NM_000038.6(APC):c.3131C>T (p.Ser1044Leu)

Gene: APC (APC regulator of Wnt signaling pathway; plus strand). Cytogenetic location: 5q22.2.
Variant type: single nucleotide variant.
Coding change: c.3131C>T on transcript NM_000038.6 (MANE Select); coding-DNA position 3131, C replaced by T.
Protein change: p.Ser1044Leu; replaces serine 1044 with leucine.
Molecular consequence: missense variant.
Genome position (GRCh38, 1-based): chr5:112,838,725, C>T. VCF-style: chr5-112838725-C-T. GRCh37 (hg19) VCF-style: chr5-112174422-C-T.
Other names: c.3131C>T, p.Ser1044Leu (NM_001127510.3, NM_001354895.2); c.3077C>T, p.Ser1026Leu (NM_001127511.3); c.3185C>T, p.Ser1062Leu (NM_001354896.2); c.3161C>T, p.Ser1054Leu (NM_001354897.2); c.3056C>T, p.Ser1019Leu (NM_001354898.2); c.3047C>T, p.Ser1016Leu (NM_001354899.2); c.3008C>T, p.Ser1003Leu (NM_001354900.2); c.2954C>T, p.Ser985Leu (NM_001354901.2); and 5 more; short protein forms S1026L, S1044L, S1016L, S1019L, S1062L, S884L, S1054L, S943L.
Identifiers: ClinVar variation 485119 (VCV000485119.21), dbSNP rs1554084719, ClinGen allele CA16028196.

ClinVar aggregate classification (germline): Uncertain significance. Review status: criteria provided, multiple submitters, no conflicts (2 of 4 stars). 5 submissions from 5 submitters: Uncertain significance (5). Last evaluated 2025-10-22.

Conditions:
Familial adenomatous polyposis 1 (FAP1). Also called: FAMILIAL ADENOMATOUS POLYPOSIS 1, ATTENUATED; POLYPOSIS, ADENOMATOUS INTESTINAL. Identifiers: MedGen C2713442, MONDO:0021056, OMIM 175100. Disease mechanism: loss of function.
Hereditary cancer-predisposing syndrome. Also called: Neoplastic Syndromes, Hereditary; Tumor predisposition; Hereditary Cancer Syndrome; Hereditary neoplastic syndrome. Identifiers: Orphanet 140162, MedGen C0027672, MeSH D009386, MONDO:0015356.

Submissions (5):

Ambry Genetics
Classification: Uncertain significance for Hereditary cancer-predisposing syndrome. Last evaluated: 2025-10-22. Review status: criteria provided, single submitter. Criteria: Ambry Variant Classification Scheme 2023. Collection method: clinical testing. Allele origin: germline.
Comment: The p.S1044L variant (also known as c.3131C>T), located in coding exon 15 of the APC gene, results from a C to T substitution at nucleotide position 3131. The serine at codon 1044 is replaced by leucine, an amino acid with dissimilar properties. This amino acid position is highly conserved in available vertebrate species. In addition, in silico predictors for this gene do not accurately predict pathogenicity. Since supporting evidence is limited at this time, the clinical significance of this alteration remains unclear.

Labcorp Genetics (formerly Invitae), Labcorp
Classification: Uncertain significance for Familial adenomatous polyposis 1. Last evaluated: 2025-10-11. Review status: criteria provided, single submitter. Criteria: Invitae Variant Classification Sherloc (09022015). Collection method: clinical testing. Allele origin: germline.
Comment: This sequence change replaces serine, which is neutral and polar, with leucine, which is neutral and non-polar, at codon 1044 of the APC protein (p.Ser1044Leu). This variant is not present in population databases (gnomAD no frequency). This variant has not been reported in the literature in individuals affected with APC-related conditions. ClinVar contains an entry for this variant (Variation ID: 485119). Invitae Evidence Modeling of protein sequence and biophysical properties (such as structural, functional, and spatial information, amino acid conservation, physicochemical variation, residue mobility, and thermodynamic stability) indicates that this missense variant is not expected to disrupt APC protein function with a negative predictive value of 95%. In summary, the available evidence is currently insufficient to determine the role of this variant in disease. Therefore, it has been classified as a Variant of Uncertain Significance.

Color Diagnostics, LLC DBA Color Health
Classification: Uncertain significance for Hereditary cancer-predisposing syndrome. Last evaluated: 2025-07-29. Review status: criteria provided, single submitter. Criteria: ACMG Guidelines, 2015. Collection method: clinical testing. Allele origin: germline.
Comment: This missense variant replaces serine with leucine at codon 1044 of the APC protein. Computational prediction suggests that this variant may not impact protein structure and function. To our knowledge, functional studies have not been reported for this variant. This variant has not been reported in individuals affected with APC-related disorders in the literature. This variant has not been identified in the general population by the Genome Aggregation Database (gnomAD). The available evidence is insufficient to determine the role of this variant in disease conclusively. Therefore, this variant is classified as a Variant of Uncertain Significance.

Baylor Genetics
Classification: Uncertain significance for Familial adenomatous polyposis 1. Last evaluated: 2023-07-26. Review status: criteria provided, single submitter. Criteria: ACMG Guidelines, 2015. Collection method: clinical testing. Allele origin: unknown.

GeneDx
Classification: Uncertain significance. Last evaluated: 2023-05-30. Review status: criteria provided, single submitter. Criteria: GeneDx Variant Classification Process June 2021. Collection method: clinical testing. Allele origin: germline. Affected: yes.
Comment: Not observed at significant frequency in large population cohorts (gnomAD); In silico analysis supports that this missense variant does not alter protein structure/function; Has not been previously published as pathogenic or benign to our knowledge; This variant is associated with the following publications: (PMID: 18199528)